The following is an entry in ClinVar:

ClinVar aggregate classification (germline): Uncertain significance (1 of 4 stars; one submission).

Conditions:
Luscan-Lumish syndrome. Identifiers: Orphanet 597738, MedGen C4085873, MONDO:0014791, OMIM 616831.

Allele frequency attached by ClinVar (database versions not stated): gnomAD exomes below 0.00001.
gnomAD v4.1: 3 of 1,614,184 alleles (0.00019%); highest among the groups gnomAD compares: Non-Finnish European, 0.00025%; no homozygotes.

Submission:

Labcorp Genetics (formerly Invitae), Labcorp
Classification: Uncertain significance for Luscan-Lumish syndrome. Last evaluated: 2022-02-04. Review status: criteria provided, single submitter. Criteria: Invitae Variant Classification Sherloc (09022015). Collection method: clinical testing. Allele origin: germline.
Comment: In summary, the available evidence is currently insufficient to determine the role of this variant in disease. Therefore, it has been classified as a Variant of Uncertain Significance. Algorithms developed to predict the effect of sequence changes on RNA splicing suggest that this variant may create or strengthen a splice site. Algorithms developed to predict the effect of missense changes on protein structure and function output the following: SIFT: "Tolerated"; PolyPhen-2: "Benign"; Align-GVGD: "Class C0". The serine amino acid residue is found in multiple mammalian species, which suggests that this missense change does not adversely affect protein function. ClinVar contains an entry for this variant (Variation ID: 854624). This variant has not been reported in the literature in individuals affected with SETD2-related conditions. This variant is not present in population databases (gnomAD no frequency). This sequence change replaces asparagine, which is neutral and polar, with serine, which is neutral and polar, at codon 2071 of the SETD2 protein (p.Asn2071Ser).

NM_014159.7(SETD2):c.6212A>G (p.Asn2071Ser)

Gene: SETD2 (SET domain containing 2, histone lysine methyltransferase; minus strand). Cytogenetic location: 3p21.31.
Variant type: single nucleotide variant.
Coding change: c.6212A>G on transcript NM_014159.7 (MANE Select); coding-DNA position 6212, A replaced by G.
Protein change: p.Asn2071Ser; replaces asparagine 2071 with serine.
Molecular consequence: missense variant. On other transcripts: non-coding transcript variant (1).
Genome position (GRCh38, 1-based): chr3:47,062,244, T>C on the plus strand (A>G on the coding strand, the complement: SETD2 is on the minus strand). VCF-style: chr3-47062244-T-C. GRCh37 (hg19) VCF-style: chr3-47103734-T-C.
Other names: c.6080A>G, p.Asn2027Ser (NM_001349370.3); short protein forms N2027S, N2071S.
Identifiers: ClinVar variation 854624 (VCV000854624.6), dbSNP rs2040365291, ClinGen allele CA352524584.